The following is an entry in ClinVar:

NM_000388.4(CASR):c.2458T>G (p.Ser820Ala)

Gene: CASR (calcium sensing receptor; plus strand). Cytogenetic location: 3q21.1.
Variant type: single nucleotide variant.
Coding change: c.2458T>G on transcript NM_000388.4 (MANE Select); coding-DNA position 2458, T replaced by G.
Protein change: p.Ser820Ala; replaces serine 820 with alanine.
Molecular consequence: missense variant.
Genome position (GRCh38, 1-based): chr3:122,284,412, T>G. VCF-style: chr3-122284412-T-G. GRCh37 (hg19) VCF-style: chr3-122003259-T-G.
Other names: c.2488T>G, p.Ser830Ala (NM_001178065.2); short protein forms S820A, S830A.
Identifiers: ClinVar variation 940617 (VCV000940617.11), dbSNP rs2074939020, ClinGen allele CA354159851.

ClinVar aggregate classification (germline): Uncertain significance. Review status: criteria provided, multiple submitters, no conflicts (2 of 4 stars). 2 submissions from 2 submitters: Uncertain significance (2). Last evaluated 2023-10-04.

Conditions:
Familial hypocalciuric hypercalcemia (FHH). Also called: Familial benign hypercalcemia. Identifiers: Orphanet 405, MedGen C1809471, MONDO:0018458.
Autosomal dominant hypocalcemia 1 (HYPOC1). Also called: HYPOCALCEMIA, FAMILIAL. Identifiers: MedGen C3715128, MONDO:0011013, OMIM 601198.

Allele frequency attached by ClinVar (database versions not stated): gnomAD exomes below 0.00001.
gnomAD v4.1: 1 of 1,614,022 alleles (0.000062%); highest among the groups gnomAD compares: Non-Finnish European, 0.000085%; no homozygotes.

Submissions (2):

Labcorp Genetics (formerly Invitae), Labcorp
Classification: Uncertain significance for Familial hypocalciuric hypercalcemia; Autosomal dominant hypocalcemia 1. Last evaluated: 2023-10-04. Review status: criteria provided, single submitter. Criteria: Invitae Variant Classification Sherloc (09022015). Collection method: clinical testing. Allele origin: germline.
Comment: This sequence change replaces serine, which is neutral and polar, with alanine, which is neutral and non-polar, at codon 820 of the CASR protein (p.Ser820Ala). This variant is not present in population databases (gnomAD no frequency). This missense change has been observed in individual(s) with familialhypocalciuric hypercalcaemia type 1 (PMID: 30052933). ClinVar contains an entry for this variant (Variation ID: 940617). An algorithm developed to predict the effect of missense changes on protein structure and function (PolyPhen-2) suggests that this variant is likely to be disruptive. Experimental studies have shown that this missense change affects CASR function (PMID: 30052933). In summary, the available evidence is currently insufficient to determine the role of this variant in disease. Therefore, it has been classified as a Variant of Uncertain Significance.

Women's Health and Genetics/Laboratory Corporation of America, LabCorp
Classification: Uncertain significance. Last evaluated: 2021-04-22. Review status: criteria provided, single submitter. Criteria: LabCorp Variant Classification Summary - May 2015. Collection method: clinical testing. Allele origin: germline.
Comment: Variant summary: CASR c.2458T>G (p.Ser820Ala) results in a conservative amino acid change located in the GPCR family 3 (third extracellular loop) C-terminal transmembrane domain (IPR017978) of the encoded protein sequence. This variant affects an evolutionarily conserved residue of the CASR protein. Three of five in-silico tools predict a damaging effect of the variant on protein function. The variant was absent in 251308 control chromosomes. c.2458T>G has been reported in the literature in at-least one individual affected with Familial Hypocalciuric Hypercalcaemia (example, Gorvin_2018). These data do not allow any conclusion about variant significance. At least one publication reports experimental evidence evaluating an impact on protein function. The most pronounced variant effect results in an impairment of calcium ion signalling without altering ERK phosphorylation in an in-vitro experimental system (Gorvin_2018). This finding is consistent with a loss of function mechanism observed in Familial Hypocalciuric Hypercalcaemia. One clinical diagnostic laboratory has submitted clinical-significance assessments for this variant to ClinVar after 2014 and classified the variant as uncertain significance citing an overlapping evidence utilized in the context of this evaluation. Based on the evidence outlined above, the variant was classified as VUS-possibly pathogenic.

Literature cited by the submitters: PubMed 30052933 (cited by Labcorp Genetics (formerly Invitae), Labcorp and Women's Health and Genetics/Laboratory Corporation of America, LabCorp).